The following is an entry in ClinVar:

ClinVar aggregate classification (germline): Conflicting classifications of pathogenicity. Review status: criteria provided, conflicting classifications (1 of 4 stars). 5 submissions from 5 submitters: Uncertain significance (1); Benign (1); Likely benign (2). 1 of the submissions does not count toward it. Last evaluated 2025-02-01.

Conditions:
SPTB-related disorder. Also called: SPTB-Related Disorders; SPTB-related condition.
Hereditary spherocytosis type 2. Also called: SPHEROCYTOSIS, TYPE 2, AUTOSOMAL DOMINANT. Identifiers: Orphanet 822, MedGen C2674219, MONDO:0000913, OMIM 616649.

Allele frequency attached by ClinVar (database versions not stated): gnomAD 0.00004 and 0.00034; ESP Exome Variant Server 0.00008; TOPMed 0.00013; gnomAD exomes 0.00058 and 0.00126; ExAC 0.00133; 1000 Genomes Project 30x 0.00219; 1000 Genomes Project 0.00240.
gnomAD v4.1: 928 of 1,613,916 alleles (0.057%); highest among the groups gnomAD compares: South Asian, 0.92%; 9 homozygotes.

Submissions (5):

CeGaT Center for Human Genetics Tuebingen
Classification: Likely benign. Last evaluated: 2025-02-01. Review status: criteria provided, single submitter. Criteria: CeGaT Center For Human Genetics Tuebingen Variant Classification Criteria Version 2. Collection method: clinical testing. Allele origin: germline. Affected: yes. Observed: 1 variant allele.
Comment: SPTB: BP4, BS2

Labcorp Genetics (formerly Invitae), Labcorp
Classification: Benign. Last evaluated: 2025-01-07. Review status: criteria provided, single submitter. Criteria: Invitae Variant Classification Sherloc (09022015). Collection method: clinical testing. Allele origin: germline.

Blueprint Genetics
Classification: Likely benign. Last evaluated: 2024-11-19. Review status: criteria provided, single submitter. Criteria: ACMG Guidelines, 2015. Collection method: clinical testing. Allele origin: germline.

Neuberg Centre For Genomic Medicine, NCGM
Classification: Uncertain significance for Hereditary spherocytosis type 2. Review status: criteria provided, single submitter. Criteria: ACMG Guidelines, 2015. Collection method: clinical testing. Allele origin: germline. Inheritance: Autosomal dominant inheritance. Affected: yes.
Comment: The missense variant c.4837C>T(p.Pro1613Ser) has been submitted to ClinVar as a Variant of Uncertain Significance (VUS), but no details are available for independent assessment. This variant is reported with allele frequency of 0.1127% in gnomAD database. The amino acid change p.Pro1613Ser in SPTB is predicted as conserved by GERP++ and PhyloP across 100 vertebrates. The amino acid Pro at position 1613 is changed to a Ser changing protein sequence and it might alter its composition and physico-chemical properties. For these reasons, this variant has been classified as Uncertain Significance (VUS).

PreventionGenetics, part of Exact Sciences
Classification: Benign for SPTB-related condition. Last evaluated: 2019-05-08. Review status: no assertion criteria provided. Collection method: clinical testing. Allele origin: germline. Not counted in ClinVar's aggregate classification.
Comment: This variant is classified as benign based on ACMG/AMP sequence variant interpretation guidelines (Richards et al. 2015 PMID: 25741868, with internal and published modifications).

NM_001355436.2(SPTB):c.4837C>T (p.Pro1613Ser)

Gene: SPTB (spectrin beta, erythrocytic; minus strand). Cytogenetic location: 14q23.3.
Variant type: single nucleotide variant.
Coding change: c.4837C>T on transcript NM_001355436.2 (MANE Select); coding-DNA position 4837, C replaced by T.
Protein change: p.Pro1613Ser; replaces proline 1613 with serine.
Molecular consequence: missense variant.
Genome position (GRCh38, 1-based): chr14:64,775,130, G>A on the plus strand (C>T on the coding strand, the complement: SPTB is on the minus strand). VCF-style: chr14-64775130-G-A. GRCh37 (hg19) VCF-style: chr14-65241848-G-A.
Other names: c.4837C>T, p.Pro1613Ser (NM_001024858.4, NM_001355437.2); c.4837C>T (NM_001024858.2); short protein forms P1613S.
Identifiers: ClinVar variation 313723 (VCV000313723.24), dbSNP rs375478086, ClinGen allele CA7230185.